The following is an entry in ClinVar:

ClinVar aggregate classification (germline): Uncertain significance. Review status: criteria provided, multiple submitters, no conflicts (2 of 4 stars). 2 submissions from 2 submitters: Uncertain significance (2). Last evaluated 2025-11-04.

Conditions:
BBS9-related disorder. Also called: BBS9-related condition.
Bardet-Biedl syndrome (BBS). Identifiers: Orphanet 110, MedGen C0752166, MONDO:0015229.

Submissions (2):

PreventionGenetics, part of Exact Sciences
Classification: Uncertain significance for BBS9-related condition. Last evaluated: 2025-11-04. Review status: criteria provided, single submitter. Criteria: ACMG Guidelines, 2015. Collection method: clinical testing. Allele origin: germline.
Comment: The BBS9 c.1962+3A>T variant is predicted to interfere with splicing. To our knowledge, this variant has not been reported in the literature or in a large population database (gnomAD), indicating this variant is rare. At this time, the clinical significance of this variant is uncertain due to the absence of conclusive functional and genetic evidence.

Labcorp Genetics (formerly Invitae), Labcorp
Classification: Uncertain significance for Bardet-Biedl syndrome. Last evaluated: 2019-12-20. Review status: criteria provided, single submitter. Criteria: Invitae Variant Classification Sherloc (09022015). Collection method: clinical testing. Allele origin: germline.
Comment: In summary, the available evidence is currently insufficient to determine the role of this variant in disease. Therefore, it has been classified as a Variant of Uncertain Significance. Nucleotide substitutions within the consensus splice site are a relatively common cause of aberrant splicing (PMID: 17576681, 9536098). Algorithms developed to predict the effect of sequence changes on RNA splicing suggest that this variant may disrupt the consensus splice site, but this prediction has not been confirmed by published transcriptional studies. This variant has not been reported in the literature in individuals with BBS9-related conditions. This variant is not present in population databases (ExAC no frequency). This sequence change falls in intron 18 of the BBS9 gene. It does not directly change the encoded amino acid sequence of the BBS9 protein, but it affects a nucleotide within the consensus splice site of the intron.

Literature cited by the submitters: PubMed 17576681 (cited by Labcorp Genetics (formerly Invitae), Labcorp); PubMed 9536098 (cited by Labcorp Genetics (formerly Invitae), Labcorp).

NM_198428.3(BBS9):c.1962+3A>T

Gene: BBS9 (Bardet-Biedl syndrome 9; plus strand). Cytogenetic location: 7p14.3.
Variant type: single nucleotide variant.
Coding change: c.1962+3A>T on transcript NM_198428.3 (MANE Select); 3 bases into the intron after coding-DNA position 1962, A replaced by T.
Molecular consequence: intron variant.
Genome position (GRCh38, 1-based): chr7:33,383,841, A>T. VCF-style: chr7-33383841-A-T. GRCh37 (hg19) VCF-style: chr7-33423453-A-T.
Other names: c.1962+3A>T (NM_001348036.1, NM_001362679.1, NM_001348041.4 and 1 more transcripts); c.1689+3A>T (NM_001348038.3); c.1584+3A>T (NM_001348039.3); c.1947+3A>T (NM_001033605.2); c.1857+3A>T (NM_001033604.2); c.1842+3A>T (NM_014451.4, NM_001348040.3); c.1596+3A>T (NM_001348037.3, NM_001348045.3, NM_001348046.3); c.1827+3A>T (NM_001348042.3); and 1 more.
Identifiers: ClinVar variation 848049 (VCV000848049.8), dbSNP rs1017765966, ClinGen allele CA916082920.
Genomic context (GRCh38, chr7:33,383,841, plus strand): 5'-TTTTTCGGGATCTATACCCCTTCAAGAATATTTTGAGTTGATTGATCATCATTTTGAGGT[A>T]TGTATGATCATAACCCACATCATCTATAATCCTTAAATATATGAAAGAGAAATAGATGCT-3'